The following is an entry in ClinVar:

NM_001430.5(EPAS1):c.865A>C (p.Met289Leu)

Gene: EPAS1 (endothelial PAS domain protein 1; plus strand). Cytogenetic location: 2p21.
Variant type: single nucleotide variant.
Coding change: c.865A>C on transcript NM_001430.5 (MANE Select); coding-DNA position 865, A replaced by C.
Protein change: p.Met289Leu; replaces methionine 289 with leucine.
Molecular consequence: missense variant.
Genome position (GRCh38, 1-based): chr2:46,369,912, A>C. VCF-style: chr2-46369912-A-C. GRCh37 (hg19) VCF-style: chr2-46597051-A-C.
Other names: short protein forms M289L.
Identifiers: ClinVar variation 1764204 (VCV001764204.2), dbSNP rs746764548, ClinGen allele CA1644794.
Genomic context (GRCh38, chr2:46,369,912, plus strand): 5'-CCTGAGGAGCTGCTTGGCCGCTCAGCCTATGAATTCTACCATGCGCTAGACTCCGAGAAC[A>C]TGACCAAGAGTCACCAGAACTGTGAGTTCCAGGAGTGCCCCTTGTGGCTTCCTTGTGTCT-3'
Protein context (NP_001421.2, residues 279-299): EFYHALDSEN[Met289Leu]TKSHQNLCTK

ClinVar aggregate classification (germline): Uncertain significance (1 of 4 stars; one submission).

Conditions:
Inborn genetic diseases. Identifiers: MedGen C0950123, MeSH D030342.

Submission:

Ambry Genetics
Classification: Uncertain significance for Inborn genetic diseases. Last evaluated: 2021-10-31. Review status: criteria provided, single submitter. Criteria: Ambry Variant Classification Scheme 2023. Collection method: clinical testing. Allele origin: germline.
Comment: The p.M289L variant (also known as c.865A>C), located in coding exon 7 of the EPAS1 gene, results from an A to C substitution at nucleotide position 865. The methionine at codon 289 is replaced by leucine, an amino acid with highly similar properties. This amino acid position is conserved. In addition, this alteration is predicted to be tolerated by in silico analysis. Since supporting evidence is limited at this time, the clinical significance of this alteration remains unclear.